The following is an entry in ClinVar:

ClinVar aggregate classification (germline): Pathogenic/Likely pathogenic. Review status: criteria provided, multiple submitters, no conflicts (2 of 4 stars). 3 submissions from 3 submitters: Pathogenic (1); Likely pathogenic (2). Last evaluated 2026-06-09.

Conditions:
Pheochromocytoma. Also called: MAX-Related Hereditary Paraganglioma-Pheochromocytoma Syndrome. Identifiers: Orphanet 29072, MedGen C0031511, MONDO:0008233, OMIM 171300, HP:0002666.
Von Hippel-Lindau syndrome (VHLS). Also called: Von Hippel-Lindau; von Hippel–Lindau syndrome; VHL syndrome. Identifiers: Orphanet 892, MedGen C0019562, MONDO:0008667, OMIM 193300. Disease mechanism: loss of function.
Chuvash polycythemia. Also called: POLYCYTHEMIA, VHL-DEPENDENT. Identifiers: Orphanet 238557, MedGen C1837915, MONDO:0009892, OMIM 263400.
Nonpapillary renal cell carcinoma. Identifiers: Orphanet 422526, MedGen CN074294, MONDO:0007763, OMIM 144700.
Hereditary cancer-predisposing syndrome. Also called: Neoplastic Syndromes, Hereditary; Hereditary neoplastic syndrome; Tumor predisposition; Hereditary Cancer Syndrome. Identifiers: Orphanet 140162, MedGen C0027672, MeSH D009386, MONDO:0015356.

Submissions (3):

Ambry Genetics
Classification: Likely pathogenic for Hereditary cancer-predisposing syndrome. Last evaluated: 2026-06-09. Review status: criteria provided, single submitter. Criteria: Ambry Variant Classification Scheme 2023. Collection method: clinical testing. Allele origin: germline.
Comment: The p.R107G variant (also known as c.319C>G), located in coding exon 1 of the VHL gene, results from a C to G substitution at nucleotide position 319. The arginine at codon 107 is replaced by glycine, an amino acid with dissimilar properties. This variant was reported in individual(s) with features consistent with von Hippel-Lindau syndrome (Siu WK et al. Chin Med J (Engl), 2011 Jan;124:237-41; Neumann HP et al. N Engl J Med, 2002 May;346:1459-66; Reich M et al. Acta Ophthalmol, 2021 Dec;99:e1492-e1500; Salama Y et al. Clin Genet, 2019 Nov;96:461-467; Krauss T et al. Endocr Relat Cancer, 2018 Sep;25:783-793; Ambry internal data). Another variant at the same codon, p.R107H (c.320G>A), has been identified in individual(s) with features consistent with von Hippel-Lindau syndrome (Boedeker CC et al. J Clin Endocrinol Metab. 2009 Jun;94(6):1938-44). This amino acid position is highly conserved in available vertebrate species. In addition, this alteration is predicted to be deleterious by in silico analysis. This variant is considered to be rare based on population cohorts in the Genome Aggregation Database (gnomAD). Based on the majority of available evidence to date, this variant is likely to be pathogenic.

Fulgent Genetics
Classification: Likely pathogenic for Nonpapillary renal cell carcinoma; Pheochromocytoma; Von Hippel-Lindau syndrome; Chuvash polycythemia. Last evaluated: 2018-10-31. Review status: criteria provided, single submitter. Criteria: ACMG Guidelines, 2015. Collection method: clinical testing. Allele origin: unknown.

Laboratory for Molecular Medicine, Mass General Brigham Personalized Medicine
Classification: Pathogenic for Von Hippel-Lindau syndrome. Last evaluated: 2015-03-20. Review status: criteria provided, single submitter. Criteria: LMM Criteria. Collection method: clinical testing. Allele origin: germline. Inheritance: Autosomal dominant inheritance. Observed: 6 variant alleles.
Comment: The p.Arg107Gly variant in VHL has been reported as a de novo (paternity confirm ed) occurrence in 1 child with nonsyndromic pheochromocytomas (Neumann 2002). In addition, it was identified in 2 children with von Hippel-Lindau (VHL) syndrome and segregated with disease in 4 affected family members from 2 families (Siu 2 011, LMM unpublished data). Of note, other variants at this position (p.Arg107Hi s, p.Arg107Pro) have been reported in individuals with VHL, suggesting that an a lteration at this position is not tolerated. In summary, this variant meets our criteria to be classified as pathogenic for VHL in an autosomal dominant manner based upon a de novo occurren ce and segregation studies.

Literature cited by the submitters: PubMed 12000816 (cited by Ambry Genetics and Laboratory for Molecular Medicine, Mass General Brigham Personalized Medicine); PubMed 21362373 (cited by Ambry Genetics and Laboratory for Molecular Medicine, Mass General Brigham Personalized Medicine); PubMed 29748190 (cited by Ambry Genetics); PubMed 31368132 (cited by Ambry Genetics); PubMed 33720516 (cited by Ambry Genetics); PubMed 20151405 (cited by Laboratory for Molecular Medicine, Mass General Brigham Personalized Medicine); PubMed 24339559 (cited by Laboratory for Molecular Medicine, Mass General Brigham Personalized Medicine).

NM_000551.4(VHL):c.319C>G (p.Arg107Gly)

Gene: VHL (von Hippel-Lindau tumor suppressor; plus strand). Cytogenetic location: 3p25.3.
Variant type: single nucleotide variant.
Coding change: c.319C>G on transcript NM_000551.4 (MANE Select); coding-DNA position 319, C replaced by G.
Protein change: p.Arg107Gly; replaces arginine 107 with glycine.
Molecular consequence: missense variant.
Genome position (GRCh38, 1-based): chr3:10,142,166, C>G. VCF-style: chr3-10142166-C-G. GRCh37 (hg19) VCF-style: chr3-10183850-C-G.
Other names: c.319C>G, p.Arg107Gly (NM_001354723.2, NM_198156.3); short protein forms R107G.
Identifiers: ClinVar variation 43599 (VCV000043599.9), dbSNP rs397516440, ClinGen allele CA020257.
Genomic context (GRCh38, chr3:10,142,166, plus strand): 5'-GTATGGCTCAACTTCGACGGCGAGCCGCAGCCCTACCCAACGCTGCCGCCTGGCACGGGC[C>G]GCCGCATCCACAGCTACCGAGGTACGGGCCCGGCGCTTAGGCCCGACCCAGCAGGGACGA-3'
Protein context (NP_000542.1, residues 97-117): PYPTLPPGTG[Arg107Gly]RIHSYRGHLW